The following is an entry in ClinVar:

ClinVar aggregate classification (germline): Uncertain significance (1 of 4 stars; one submission).

Submission:

Women's Health and Genetics/Laboratory Corporation of America, LabCorp
Classification: Uncertain significance. Last evaluated: 2020-02-14. Review status: criteria provided, single submitter. Criteria: LabCorp Variant Classification Summary - May 2015. Collection method: clinical testing. Allele origin: germline.
Comment: Variant summary: RAD51D c.14G>A (p.Arg5Lys) results in a conservative amino acid change in the encoded protein sequence. Four of five in-silico tools predict a benign effect of the variant on protein function. The variant was absent in 247034 control chromosomes (gnomAD). The available data on variant occurrences in the general population are insufficient to allow any conclusion about variant significance. To our knowledge, no occurrence of c.14G>A in individuals affected with Hereditary Breast and Ovarian Cancer and no experimental evidence demonstrating its impact on protein function have been reported. No clinical diagnostic laboratories have submitted clinical-significance assessments for this variant to ClinVar after 2014. Based on the evidence outlined above, the variant was classified as uncertain significance.

NM_002878.4(RAD51D):c.14G>A (p.Arg5Lys)

Genes: RAD51L3-RFFL (RAD51L3-RFFL readthrough; minus strand), RAD51D (RAD51 paralog D; minus strand). Cytogenetic location: 17q12.
Variant type: single nucleotide variant.
Coding change: c.14G>A on transcript NM_002878.4 (MANE Select); coding-DNA position 14, G replaced by A.
Protein change: p.Arg5Lys; replaces arginine 5 with lysine.
Molecular consequence: missense variant. On other transcripts: non-coding transcript variant (2).
Genome position (GRCh38, 1-based): chr17:35,119,600, C>T on the plus strand (G>A on the coding strand, the complement: RAD51D is on the minus strand). VCF-style: chr17-35119600-C-T. GRCh37 (hg19) VCF-style: chr17-33446619-C-T.
Other names: c.14G>A, p.Arg5Lys (NM_001142571.2, NM_133629.3); short protein forms R5K.
Identifiers: ClinVar variation 917702 (VCV000917702.1), dbSNP rs2091799333, ClinGen allele CA399092570.
Genomic context (GRCh38, chr17:35,119,600, plus strand): 5'-ATCCTGTGGCTCCTGAGAAGCTGGATCATCTCCTCGGTAAGGCCAGGGCACAGTCCGACC[C>T]TGAGCACGCCCATGTTCCCCGCAGGCCGGAACAGCCCCAGGGGGACTGCACGTCACGTGG-3'
Protein context (NP_002869.3, residues 1-15): MGVL[Arg5Lys]VGLCPGLTEE